The following is an entry in ClinVar:

NM_004998.4(MYO1E):c.420+9G>A

Gene: MYO1E (myosin IE; minus strand). Cytogenetic location: 15q22.2.
Variant type: single nucleotide variant.
Coding change: c.420+9G>A on transcript NM_004998.4 (MANE Select); 9 bases into the intron after coding-DNA position 420, G replaced by A.
Molecular consequence: intron variant.
Genome position (GRCh38, 1-based): chr15:59,236,576, C>T on the plus strand (G>A on the coding strand, the complement: MYO1E is on the minus strand). VCF-style: chr15-59236576-C-T. GRCh37 (hg19) VCF-style: chr15-59528775-C-T.
Identifiers: ClinVar variation 3029361 (VCV003029361.2), dbSNP rs779206722, ClinGen allele CA2628721230.

ClinVar aggregate classification (germline): Likely benign (0 of 4 stars; one submission).

Conditions:
MYO1E-related disorder. Also called: MYO1E-related condition.

Submission:

PreventionGenetics, part of Exact Sciences
Classification: Likely benign for MYO1E-related condition. Last evaluated: 2023-10-04. Review status: no assertion criteria provided. Collection method: clinical testing. Allele origin: germline.
Comment: This variant is classified as likely benign based on ACMG/AMP sequence variant interpretation guidelines (Richards et al. 2015 PMID: 25741868, with internal and published modifications).